The following is an entry in ClinVar:

ClinVar aggregate classification (germline): Uncertain significance (1 of 4 stars; one submission).

Conditions:
Meckel-Gruber syndrome. Also called: DYSENCEPHALIA SPLANCHNOCYSTICA; GRUBER SYNDROME; Dysencephalia splachnocystica. Identifiers: Orphanet 564, MedGen C0265215, MONDO:0018921.
Joubert syndrome. Also called: CEREBELLOPARENCHYMAL DISORDER IV; JOUBERT-BOLTSHAUSER SYNDROME; Familial aplasia of the vermis. Identifiers: Orphanet 475, MedGen C5979921, MONDO:0018772.

Submission:

Labcorp Genetics (formerly Invitae), Labcorp
Classification: Uncertain significance for Joubert syndrome; Meckel-Gruber syndrome. Last evaluated: 2019-12-02. Review status: criteria provided, single submitter. Criteria: Invitae Variant Classification Sherloc (09022015). Collection method: clinical testing. Allele origin: germline.
Comment: In summary, the available evidence is currently insufficient to determine the role of this variant in disease. Therefore, it has been classified as a Variant of Uncertain Significance. Algorithms developed to predict the effect of missense changes on protein structure and function output the following: SIFT: "Tolerated"; PolyPhen-2: "Benign"; Align-GVGD: "Class C0". The threonine amino acid residue is found in multiple mammalian species, suggesting that this missense change does not adversely affect protein function. These predictions have not been confirmed by published functional studies and their clinical significance is uncertain. This variant has not been reported in the literature in individuals with TMEM67-related conditions. This variant is not present in population databases (ExAC no frequency). This sequence change replaces alanine with threonine at codon 227 of the TMEM67 protein (p.Ala227Thr). The alanine residue is weakly conserved and there is a small physicochemical difference between alanine and threonine.

NM_153704.6(TMEM67):c.679G>A (p.Ala227Thr)

Gene: TMEM67 (transmembrane protein 67; plus strand). Cytogenetic location: 8q22.1.
Variant type: single nucleotide variant.
Coding change: c.679G>A on transcript NM_153704.6 (MANE Select); coding-DNA position 679, G replaced by A.
Protein change: p.Ala227Thr; replaces alanine 227 with threonine.
Molecular consequence: missense variant. On other transcripts: non-coding transcript variant (1).
Genome position (GRCh38, 1-based): chr8:93,772,616, G>A. VCF-style: chr8-93772616-G-A. GRCh37 (hg19) VCF-style: chr8-94784844-G-A.
Other names: c.436G>A, p.Ala146Thr (NM_001142301.1); short protein forms A227T, A146T.
Identifiers: ClinVar variation 845511 (VCV000845511.10), dbSNP rs767886819, ClinGen allele CA371687308.